The following is an entry in ClinVar:

NM_001478.5(B4GALNT1):c.1204G>A (p.Val402Met)

Gene: B4GALNT1 (beta-1,4-N-acetyl-galactosaminyltransferase 1; minus strand). Cytogenetic location: 12q13.3.
Variant type: single nucleotide variant.
Coding change: c.1204G>A on transcript NM_001478.5 (MANE Select); coding-DNA position 1204, G replaced by A.
Protein change: p.Val402Met; replaces valine 402 with methionine.
Molecular consequence: missense variant.
Genome position (GRCh38, 1-based): chr12:57,627,798, C>T on the plus strand (G>A on the coding strand, the complement: B4GALNT1 is on the minus strand). VCF-style: chr12-57627798-C-T. GRCh37 (hg19) VCF-style: chr12-58021581-C-T.
Other names: c.1039G>A, p.Val347Met (NM_001276468.2); c.1204G>A (NM_001478.3); short protein forms V347M, V402M.
Identifiers: ClinVar variation 1525280 (VCV001525280.8), dbSNP rs377044701, ClinGen allele CA6655492.

ClinVar aggregate classification (germline): Uncertain significance. Review status: criteria provided, multiple submitters, no conflicts (2 of 4 stars). 2 submissions from 2 submitters: Uncertain significance (2). Last evaluated 2025-04-20.

Conditions:
Spastic paraplegia. Identifiers: MedGen C0037772, HP:0001258.
Inborn genetic diseases. Identifiers: MedGen C0950123, MeSH D030342.

Allele frequency attached by ClinVar (database versions not stated): 1000 Genomes Project 30x 0.00031; gnomAD 0.00022 and 0.00024; TOPMed 0.00025; ESP Exome Variant Server 0.00031.
gnomAD v4.1: 57 of 1,596,828 alleles (0.0036%); highest among the groups gnomAD compares: African/African-American, 0.064%; no homozygotes.

Submissions (2):

Ambry Genetics
Classification: Uncertain significance for Inborn genetic diseases. Last evaluated: 2025-04-20. Review status: criteria provided, single submitter. Criteria: Ambry Variant Classification Scheme 2023. Collection method: clinical testing. Allele origin: germline.

Labcorp Genetics (formerly Invitae), Labcorp
Classification: Uncertain significance for Spastic paraplegia. Last evaluated: 2023-04-24. Review status: criteria provided, single submitter. Criteria: Invitae Variant Classification Sherloc (09022015). Collection method: clinical testing. Allele origin: germline.
Comment: Advanced modeling of protein sequence and biophysical properties (such as structural, functional, and spatial information, amino acid conservation, physicochemical variation, residue mobility, and thermodynamic stability) performed at Invitae indicates that this missense variant is not expected to disrupt B4GALNT1 protein function. In summary, the available evidence is currently insufficient to determine the role of this variant in disease. Therefore, it has been classified as a Variant of Uncertain Significance. ClinVar contains an entry for this variant (Variation ID: 1525280). This variant has not been reported in the literature in individuals affected with B4GALNT1-related conditions. This variant is present in population databases (rs377044701, gnomAD 0.07%). This sequence change replaces valine, which is neutral and non-polar, with methionine, which is neutral and non-polar, at codon 402 of the B4GALNT1 protein (p.Val402Met).